The following is an entry in ClinVar:

ClinVar aggregate classification (germline): Uncertain significance. Review status: criteria provided, multiple submitters, no conflicts (2 of 4 stars). 7 submissions from 7 submitters: Uncertain significance (6). 1 of the submissions does not count toward it. Last evaluated 2026-02-02.

Conditions:
Muscular dystrophy-dystroglycanopathy (congenital with brain and eye anomalies), type A, 4 (MDDGA4). Also called: Walker-Warburg Syndrome, Fktn-Related; Muscular dystrophy, congenital progressive, with mental retardation; Muscular dystrophy, congenital, with central nervous system involvement; Cerebromuscular dystrophy, Fukuyama type; Congenital muscular dystrophy-dystroglycanopathy with brain and eye anomalies, type A4; WALKER-WARBURG SYNDROME OR MUSCLE-EYE-BRAIN DISEASE, FKTN-RELATED. Identifiers: Orphanet 272, Orphanet 588, Orphanet 899, MedGen C0410174, MONDO:0009678, OMIM 253800.
Muscular dystrophy-dystroglycanopathy (congenital without impaired intellectual development), type B, 4. Also called: Muscular dystrophy-dystroglycanopathy (congenital without intellectual disability), type B4; MUSCULAR DYSTROPHY, CONGENITAL, FKTN-RELATED. Identifiers: MedGen C2751052, MONDO:0013156, OMIM 613152.
Dilated cardiomyopathy 1X (CMD1X). Also called: FKTN-Related Dilated Cardiomyopathy; CARDIOMYOPATHY, DILATED, WITH MILD OR NO PROXIMAL MUSCLE WEAKNESS. Identifiers: Orphanet 154, MedGen C1969024, MONDO:0012704, OMIM 611615.
Muscular dystrophy-dystroglycanopathy (congenital with brain and eye anomalies), type A1 (MDDGA1). Also called: COD-MD SYNDROME; Muscular dystrophy-dystroglycanopathy (congenital with brain and eye anomalies), type A, 1; WALKER-WARBURG SYNDROME OR MUSCLE-EYE-BRAIN DISEASE, POMT1-RELATED; Hydrocephalus, agyria and retinal dysplasia; Hard +/- E syndrome; Warburg syndrome. Identifiers: Orphanet 588, Orphanet 899, MedGen C4284790, MONDO:0009364, OMIM 236670.
Autosomal recessive limb-girdle muscular dystrophy type 2M. Also called: MUSCULAR DYSTROPHY-DYSTROGLYCANOPATHY (LIMB-GIRDLE), TYPE C, 4; MUSCULAR DYSTROPHY, LIMB-GIRDLE, TYPE 2M. Identifiers: Orphanet 206554, MedGen C1969040, MONDO:0012699, OMIM 611588.
Cardiovascular phenotype. Identifiers: MedGen CN230736.
Walker-Warburg congenital muscular dystrophy. Also called: Muscular dystrophy-dystroglycanopathy, type A; Walker-Warburg syndrome. Identifiers: Orphanet 899, MedGen C0265221, MONDO:0000171.

Allele frequency attached by ClinVar (database versions not stated): gnomAD exomes 0.00009 and 0.00002; gnomAD 0.00001; ESP Exome Variant Server 0.00008; ExAC 0.00002; TOPMed 0.00003.

Submissions (7):

Women's Health and Genetics/Laboratory Corporation of America, LabCorp
Classification: Uncertain significance. Last evaluated: 2026-02-02. Review status: criteria provided, single submitter. Criteria: LabCorp Variant Classification Summary - May 2015. Collection method: clinical testing. Allele origin: germline.
Comment: Variant summary: FKTN c.1380dupA (p.Tyr461IlefsX4) causes a frameshift which results in an extension of the protein. The variant allele was found at a frequency of 2e-05 in 251356 control chromosomes. The available data on variant occurrences in the general population are insufficient to allow any conclusion about variant significance. c.1380dupA has been observed in individuals affected with stress-induced cardiomyopathy, sudden cardiac arrest without clear cardiac phenotype, or hypertrophic cardiomyopathy, all without evidence for causality (e.g. Kalani_2016, Asatryan_2019, Salazar-Mendiguchia_2020). These report(s) do not provide unequivocal conclusions about association of the variant with Walker-Warburg Syndrome. To our knowledge, no experimental evidence demonstrating an impact on protein function has been reported. The following publications have been ascertained in the context of this evaluation (PMID: 30975432, 26606670, 33035702). ClinVar contains an entry for this variant (Variation ID: 597909). Based on the evidence outlined above, the variant was classified as uncertain significance.

Ambry Genetics
Classification: Uncertain significance for Cardiovascular phenotype. Last evaluated: 2024-04-25. Review status: criteria provided, single submitter. Criteria: Ambry Variant Classification Scheme 2023. Collection method: clinical testing. Allele origin: germline.
Comment: The c.1380dupA variant, located in coding exon 9 of the FKTN gene, results from a duplication of A at nucleotide position 1380, causing a translational frameshift with a predicted alternate stop codon (p.Y461Ifs*4). Frameshifts are typically deleterious in nature, however, this frameshift occurs at the 3' terminus of FKTN, is not expected to trigger nonsense-mediated mRNA decay, and results in the elongation of the protein by 2 amino acids. The exact functional impact of these inserted amino acids is unknown at this time. Since supporting evidence is limited at this time, the clinical significance of this alteration remains unclear.

Fulgent Genetics
Classification: Uncertain significance for Muscular dystrophy-dystroglycanopathy (congenital with brain and eye anomalies), type A1; Muscular dystrophy-dystroglycanopathy (congenital with brain and eye anomalies), type A, 4; Autosomal recessive limb-girdle muscular dystrophy type 2M; Dilated cardiomyopathy 1X; Muscular dystrophy-dystroglycanopathy (congenital without impaired intellectual development), type B, 4. Last evaluated: 2022-01-23. Review status: criteria provided, single submitter. Criteria: ACMG Guidelines, 2015. Collection method: clinical testing. Allele origin: unknown.

Revvity Omics, Revvity
Classification: Uncertain significance. Last evaluated: 2021-08-01. Review status: criteria provided, single submitter. Criteria: ACMG Guidelines, 2015. Collection method: clinical testing. Allele origin: germline.

Labcorp Genetics (formerly Invitae), Labcorp
Classification: Uncertain significance for Walker-Warburg congenital muscular dystrophy. Last evaluated: 2021-05-18. Review status: criteria provided, single submitter. Criteria: Invitae Variant Classification Sherloc (09022015). Collection method: clinical testing. Allele origin: germline.
Comment: This sequence change results in a frameshift in the FKTN gene (p.Tyr461Ilefs*4). While this is not anticipated to result in nonsense mediated decay, it is expected to disrupt the last 1 amino acid(s) of the FKTN protein and extend the protein by 2 additional amino acid residues. This variant is present in population databases (rs775366895, ExAC 0.004%). This variant has not been reported in the literature in individuals with FKTN-related conditions. Experimental studies and prediction algorithms are not available or were not evaluated, and the functional significance of this variant is currently unknown. In summary, the available evidence is currently insufficient to determine the role of this variant in disease. Therefore, it has been classified as a Variant of Uncertain Significance.

Eurofins Ntd Llc (ga)
Classification: Uncertain significance. Last evaluated: 2018-07-05. Review status: criteria provided, single submitter. Criteria: EGL ClinVar v180209 classification definitions. Collection method: clinical testing. Allele origin: germline. Observed: 1 variant allele, 1 heterozygote.

Natera, Inc.
Classification: Uncertain significance for Walker-Warburg congenital muscular dystrophy. Last evaluated: 2020-12-18. Review status: no assertion criteria provided. Collection method: clinical testing. Allele origin: germline. Not counted in ClinVar's aggregate classification.

Literature cited by the submitters: PubMed 30975432 (cited by Women's Health and Genetics/Laboratory Corporation of America, LabCorp and Ambry Genetics); PubMed 33035702 (cited by Women's Health and Genetics/Laboratory Corporation of America, LabCorp); PubMed 26606670 (cited by Women's Health and Genetics/Laboratory Corporation of America, LabCorp).

NM_001079802.2(FKTN):c.1380dup (p.Tyr461fs)

Gene: FKTN (fukutin; plus strand). Cytogenetic location: 9q31.2.
Variant type: Duplication.
Coding change: c.1380dup on transcript NM_001079802.2 (MANE Select); coding-DNA position 1380, one base duplicated (A; older notation c.1380dupA).
Protein change: p.Tyr461fs; shifts the reading frame from tyrosine 461.
Molecular consequence: frameshift variant. On other transcripts: 3 prime UTR variant (1), non-coding transcript variant (2), intron variant (1).
Genome position (GRCh38, 1-based): chr9:105,635,258, A duplicated. VCF-style (leftmost placement, unchanged base first): chr9-105635257-T-TA. GRCh37 (hg19) VCF-style: chr9-108397538-T-TA.
Other names: c.1380dup, p.Tyr461fs (NM_001351496.2, NM_006731.2); c.1311dup, p.Tyr438fs (NM_001351497.2); c.*172dup (NM_001351498.2); c.984dup, p.Tyr329fs (NM_001351499.2, NM_001351500.2, NM_001351501.2 and 1 more transcripts); c.1270+110dup (NM_001198963.2); c.1380dupA (NM_001079802.1, NM_006731.2); short protein forms Y329fs, Y438fs, Y461fs.
Identifiers: ClinVar variation 597909 (VCV000597909.18), dbSNP rs775366895, ClinGen allele CA5170621.